The following is an entry in ClinVar:

ClinVar aggregate classification (germline): Uncertain significance. Review status: criteria provided, multiple submitters, no conflicts (2 of 4 stars). 3 submissions from 3 submitters: Uncertain significance (3). Last evaluated 2024-04-14.

Conditions:
Hereditary cancer-predisposing syndrome. Also called: Neoplastic Syndromes, Hereditary; Hereditary Cancer Syndrome; Hereditary neoplastic syndrome; Tumor predisposition. Identifiers: Orphanet 140162, MedGen C0027672, MeSH D009386, MONDO:0015356.
Microcephaly, normal intelligence and immunodeficiency (NBS). Also called: Immunodeficiency, microcephaly with normal intelligence; SEEMANOVA SYNDROME II; Nijmegen breakage syndrome; Microcephaly with normal intelligence immunodeficiency and lymphoreticular malignancies; Nonsyndromal microcephaly autosomal recessive with normal intelligence; Seemanova syndrome 2. Identifiers: Orphanet 647, MedGen C0398791, MONDO:0009623, OMIM 251260.

Allele frequency attached by ClinVar (database versions not stated): gnomAD exomes below 0.00001.
gnomAD v4.1: 3 of 1,613,874 alleles (0.00019%); highest among the groups gnomAD compares: Non-Finnish European, 0.00017%; no homozygotes.

Submissions (3):

Ambry Genetics
Classification: Uncertain significance for Hereditary cancer-predisposing syndrome. Last evaluated: 2024-04-14. Review status: criteria provided, single submitter. Criteria: Ambry Variant Classification Scheme 2023. Collection method: clinical testing. Allele origin: germline.
Comment: The p.L342F variant (also known as c.1024C>T), located in coding exon 9 of the NBN gene, results from a C to T substitution at nucleotide position 1024. The leucine at codon 342 is replaced by phenylalanine, an amino acid with highly similar properties. This amino acid position is well conserved in available vertebrate species. In addition, this alteration is predicted to be tolerated by in silico analysis. Since supporting evidence is limited at this time, the clinical significance of this alteration remains unclear.

Labcorp Genetics (formerly Invitae), Labcorp
Classification: Uncertain significance for Microcephaly, normal intelligence and immunodeficiency. Last evaluated: 2023-08-04. Review status: criteria provided, single submitter. Criteria: Invitae Variant Classification Sherloc (09022015). Collection method: clinical testing. Allele origin: germline.
Comment: In summary, the available evidence is currently insufficient to determine the role of this variant in disease. Therefore, it has been classified as a Variant of Uncertain Significance. Algorithms developed to predict the effect of missense changes on protein structure and function output the following: SIFT: "Not Available"; PolyPhen-2: "Benign"; Align-GVGD: "Not Available". The phenylalanine amino acid residue is found in multiple mammalian species, which suggests that this missense change does not adversely affect protein function. ClinVar contains an entry for this variant (Variation ID: 142704). This variant has not been reported in the literature in individuals affected with NBN-related conditions. This variant is not present in population databases (gnomAD no frequency). This sequence change replaces leucine, which is neutral and non-polar, with phenylalanine, which is neutral and non-polar, at codon 342 of the NBN protein (p.Leu342Phe).

Genome-Nilou Lab
Classification: Uncertain significance for Microcephaly, normal intelligence and immunodeficiency. Last evaluated: 2021-11-07. Review status: criteria provided, single submitter. Criteria: ACMG Guidelines, 2015. Collection method: clinical testing. Allele origin: germline. Affected: no.

NM_002485.5(NBN):c.1024C>T (p.Leu342Phe)

Gene: NBN (nibrin; minus strand). Cytogenetic location: 8q21.3.
Variant type: single nucleotide variant.
Coding change: c.1024C>T on transcript NM_002485.5 (MANE Select); coding-DNA position 1024, C replaced by T.
Protein change: p.Leu342Phe; replaces leucine 342 with phenylalanine.
Molecular consequence: missense variant.
Genome position (GRCh38, 1-based): chr8:89,958,825, G>A on the plus strand (C>T on the coding strand, the complement: NBN is on the minus strand). VCF-style: chr8-89958825-G-A. GRCh37 (hg19) VCF-style: chr8-90971053-G-A.
Other names: c.778C>T, p.Leu260Phe (NM_001024688.3); short protein forms L342F, L260F.
Identifiers: ClinVar variation 142704 (VCV000142704.21), dbSNP rs587782656, ClinGen allele CA169196.